The following is an entry in ClinVar:

NM_030777.4(SLC2A10):c.691C>T (p.Arg231Trp)

Gene: SLC2A10 (solute carrier family 2 member 10; plus strand). Cytogenetic location: 20q13.12.
Variant type: single nucleotide variant.
Coding change: c.691C>T on transcript NM_030777.4 (MANE Select); coding-DNA position 691, C replaced by T.
Protein change: p.Arg231Trp; replaces arginine 231 with tryptophan.
Molecular consequence: missense variant.
Genome position (GRCh38, 1-based): chr20:46,725,727, C>T. VCF-style: chr20-46725727-C-T. GRCh37 (hg19) VCF-style: chr20-45354366-C-T.
Other names: p.R231W:CGG>TGG; short protein forms R231W.
Identifiers: ClinVar variation 161106 (VCV000161106.37), dbSNP rs146579504, ClinGen allele CA319966.
Genomic context (GRCh38, chr20:46,725,727, plus strand): 5'-CCGGGGAGGCCACGGTACTCCTTTCTGGACCTCTTCAGGGCACGCGATAACATGCGAGGC[C>T]GGACCACAGTGGGCCTGGGGCTGGTGCTCTTCCAGCAACTAACAGGGCAGCCCAACGTGC-3'
Protein context (NP_110404.1, residues 221-241): LFRARDNMRG[Arg231Trp]TTVGLGLVLF

ClinVar aggregate classification (germline): Pathogenic/Likely pathogenic. Review status: criteria provided, multiple submitters, no conflicts (2 of 4 stars). 8 submissions from 8 submitters: Pathogenic (2); Likely pathogenic (5). 1 of the submissions does not count toward it. Last evaluated 2025-10-20.

Conditions:
Familial thoracic aortic aneurysm and aortic dissection (TAAD). Also called: Thoracic aortic aneurysms and dissections. Identifiers: Orphanet 91387, MedGen C4707243, MONDO:0019625.
Arterial tortuosity syndrome (ATORS). Identifiers: Orphanet 3342, MedGen C1859726, MONDO:0008818, OMIM 208050.

Allele frequency attached by ClinVar (database versions not stated): gnomAD exomes 0.00002 and 0.00003; TOPMed 0.00002; ExAC 0.00003; gnomAD 0.00010; ESP Exome Variant Server 0.00008.
gnomAD v4.1: 50 of 1,614,050 alleles (0.0031%); highest among the groups gnomAD compares: East Asian, 0.0067%; no homozygotes.

Submissions (8):

GeneDx
Classification: Likely pathogenic. Last evaluated: 2025-10-20. Review status: criteria provided, single submitter. Criteria: GeneDx Variant Classification Process June 2021. Collection method: clinical testing. Allele origin: germline. Affected: yes.
Comment: Identified in a patient with TAAD in published literature (PMID: 34498425); Not observed at significant frequency in large population cohorts (gnomAD); In silico analysis supports that this missense variant has a deleterious effect on protein structure/function; This variant is associated with the following publications: (PMID: 30090112, 31589614, 19781076, 29323665, 34498425)

Ambry Genetics
Classification: Likely pathogenic for Familial thoracic aortic aneurysm and aortic dissection. Last evaluated: 2025-07-24. Review status: criteria provided, single submitter. Criteria: Ambry Variant Classification Scheme 2023. Collection method: clinical testing. Allele origin: germline.
Comment: The p.R231W variant (also known as c.691C>T), located in coding exon 2 of the SLC2A10 gene, results from a C to T substitution at nucleotide position 691. The arginine at codon 231 is replaced by tryptophan, an amino acid with dissimilar properties. This variant has been identified in the homozygous state and/or in conjunction with other SLC2A10 variant(s) in individual(s) with features consistent with arterial tortuosity syndrome; in at least one instance, the variants were identified in trans (Ritelli M et al. Orphanet J Rare Dis, 2009 Sep;4:20; Ambry internal data). Other variant(s) at the same codon, p.R231Q (c.692G>A), have been identified in individual(s) with features consistent with arterial tortuosity syndrome (Callewaert BL et al. Hum Mutat. 2008;29(1):150-158; Takahashi Y et al. Am J Med Genet A. 2013;161A(4):856-859). This amino acid position is highly conserved in available vertebrate species. In addition, this alteration is predicted to be deleterious by in silico analysis. This variant is considered to be rare based on population cohorts in the Genome Aggregation Database (gnomAD). Based on the majority of available evidence to date, this variant is likely to be pathogenic.

Labcorp Genetics (formerly Invitae), Labcorp
Classification: Pathogenic for Arterial tortuosity syndrome. Last evaluated: 2025-04-20. Review status: criteria provided, single submitter. Criteria: Invitae Variant Classification Sherloc (09022015). Collection method: clinical testing. Allele origin: germline.
Comment: This sequence change replaces arginine, which is basic and polar, with tryptophan, which is neutral and slightly polar, at codon 231 of the SLC2A10 protein (p.Arg231Trp). This variant is present in population databases (rs146579504, gnomAD 0.004%). This missense change has been observed in individual(s) with aortopathy and/or arterial tortuosity syndrome (PMID: 19781076, 34498425). In at least one individual the data is consistent with being in trans (on the opposite chromosome) from a pathogenic variant. ClinVar contains an entry for this variant (Variation ID: 161106). Invitae Evidence Modeling of protein sequence and biophysical properties (such as structural, functional, and spatial information, amino acid conservation, physicochemical variation, residue mobility, and thermodynamic stability) indicates that this missense variant is expected to disrupt SLC2A10 protein function with a positive predictive value of 95%. This variant disrupts the p.Arg231 amino acid residue in SLC2A10. Other variant(s) that disrupt this residue have been determined to be pathogenic (PMID: 17935213, 23494979). This suggests that this residue is clinically significant, and that variants that disrupt this residue are likely to be disease-causing. For these reasons, this variant has been classified as Pathogenic.

Fulgent Genetics
Classification: Pathogenic for Arterial tortuosity syndrome. Last evaluated: 2024-04-23. Review status: criteria provided, single submitter. Criteria: ACMG Guidelines, 2015. Collection method: clinical testing. Allele origin: germline.

Revvity Omics, Revvity
Classification: Likely pathogenic for Arterial tortuosity syndrome. Last evaluated: 2019-04-19. Review status: criteria provided, single submitter. Criteria: ACMG Guidelines, 2015. Collection method: clinical testing. Allele origin: germline.

ARUP Laboratories, Molecular Genetics and Genomics, ARUP Laboratories
Classification: Likely pathogenic for Arterial tortuosity syndrome. Last evaluated: 2018-07-09. Review status: criteria provided, single submitter. Criteria: ARUP Molecular Germline Variant Investigation Process. Collection method: clinical testing. Allele origin: germline.
Comment: The SLC2A10 c.691C>T; p.Arg231Trp variant (rs146579504) has been described in the compound heterozygous state in individuals affected with arterial tortuosity syndrome (ATS) (Beyens 2018, Ritelli 2009). It is reported as pathogenic in ClinVar (Variation ID: 161106) and observed in the general population at a low overall frequency of 0.002% (6/276720 alleles) in the Genome Aggregation Database. The arginine at codon 231 is highly conserved and computational algorithms (PolyPhen-2, SIFT) predict that this variant is damaging. Additionally, another variant at this position (c.692G>A; p.Arg231Gln) has been described in individuals with ATS and is considered pathogenic (Beyens 2018, Callewaert 2008). Based on available information, this variant is considered likely pathogenic. Pathogenic SLC2A10 variants are inherited in an autosomal recessive manner, and are associated with arterial tortuosity syndrome (ATS) (MIM: 208050) characterized by tortuosity and elongation of the large and medium-sized arteries, predisposition to aneurysms, vascular dissection, and pulmonary arteries stenosis as well as cutaneous, skeletal and other symptoms. However, our analysis cannot detect variants in deep intronic or enhancer regions; therefore, the presence of additional pathogenic variants in these regions cannot be excluded. If an additional pathogenic variant, not detected by the current assay, is present on the opposite chromosome, this individual may be affected with ATS. References: Beyens A et al. Arterial tortuosity syndrome: 40 new families and literature review. Genet Med. 2018 Jan 11. Callewaert B et al. Arterial tortuosity syndrome: clinical and molecular findings in 12 newly identified families. Hum Mutat. 2008 Jan;29(1):150-8. Ritelli M et al. Arterial tortuosity syndrome in two Italian paediatric patients. Orphanet J Rare Dis. 2009 Sep 25;4:20.

Juno Genomics, Hangzhou Juno Genomics, Inc
Classification: Likely pathogenic for Arterial tortuosity syndrome. Review status: criteria provided, single submitter. Criteria: ACMG Guidelines, 2015. Collection method: clinical testing. Allele origin: germline.
Comment: Absent from controls (or at extremely low frequency if recessive) in Genome Aggregation Database.;Multiple lines of computational evidence support a deleterious effect on the gene or gene product.;For recessive disorders, detected in trans with a pathogenic variant.;Patient's phenotype or family history is highly specific for a disease with a single genetic etiology.;Novel missense change at an amino acid residue where a different missense change determined to be pathogenic has been seen before.

GeneReviews
No classification provided. Condition: Arterial tortuosity syndrome. Review status: no classification provided. Collection method: literature only. Allele origin: germline. Affected: yes. Not counted in ClinVar's aggregate classification.

Literature cited by the submitters: PubMed 19781076 (cited by 3 submitters); PubMed 34498425 (cited by Ambry Genetics and Labcorp Genetics (formerly Invitae), Labcorp); PubMed 17935213 (cited by Labcorp Genetics (formerly Invitae), Labcorp); PubMed 23494979 (cited by Labcorp Genetics (formerly Invitae), Labcorp); NCBI Bookshelf NBK253404 (cited by GeneReviews).